The following is an entry in ClinVar:

NM_004706.4(ARHGEF1):c.668G>A (p.Gly223Asp)

Gene: ARHGEF1 (Rho guanine nucleotide exchange factor 1; plus strand). Cytogenetic location: 19q13.2.
Variant type: single nucleotide variant.
Coding change: c.668G>A on transcript NM_004706.4 (MANE Select); coding-DNA position 668, G replaced by A.
Protein change: p.Gly223Asp; replaces glycine 223 with aspartic acid.
Molecular consequence: missense variant. On other transcripts: non-coding transcript variant (2).
Genome position (GRCh38, 1-based): chr19:41,894,230, G>A. VCF-style: chr19-41894230-G-A. GRCh37 (hg19) VCF-style: chr19-42398303-G-A.
Other names: c.668G>A, p.Gly223Asp (NM_001396000.1, NM_001396003.1, NM_001396006.1); c.569G>A, p.Gly190Asp (NM_001396002.1, NM_001396004.1, NM_198977.2); c.713G>A, p.Gly238Asp (NM_199002.2); short protein forms G190D, G238D, G223D.
Identifiers: ClinVar variation 2800803 (VCV002800803.3), dbSNP rs2513805660, ClinGen allele CA406051442.
Genomic context (GRCh38, chr19:41,894,230, plus strand): 5'-TTGTGTGTGTTGAGCCCTCACTGTCCCTTCCCTACAGTGCTGCCGTGGTCAACGCCATTG[G>A]CCTGTACATGCGCCACCTTGGGGTGCGGACCAAGAGTGGAGACAAGAAGTCGGGGAGGAA-3'
Protein context (NP_004697.2, residues 213-233): EKSAAVVNAI[Gly223Asp]LYMRHLGVRT

ClinVar aggregate classification (germline): Uncertain significance (1 of 4 stars; one submission).

Submission:

Labcorp Genetics (formerly Invitae), Labcorp
Classification: Uncertain significance. Last evaluated: 2023-11-16. Review status: criteria provided, single submitter. Criteria: Invitae Variant Classification Sherloc (09022015). Collection method: clinical testing. Allele origin: germline.
Comment: This sequence change replaces glycine, which is neutral and non-polar, with aspartic acid, which is acidic and polar, at codon 238 of the ARHGEF1 protein (p.Gly238Asp). This variant is not present in population databases (gnomAD no frequency). This variant has not been reported in the literature in individuals affected with ARHGEF1-related conditions. An algorithm developed to predict the effect of missense changes on protein structure and function (PolyPhen-2) suggests that this variant is likely to be tolerated. In summary, the available evidence is currently insufficient to determine the role of this variant in disease. Therefore, it has been classified as a Variant of Uncertain Significance.